The following is an entry in ClinVar:

ClinVar aggregate classification (germline): Conflicting classifications of pathogenicity. Review status: criteria provided, conflicting classifications (1 of 4 stars). 8 submissions from 7 submitters: Uncertain significance (1); Benign (1); Likely benign (6). Last evaluated 2026-02-20.

Conditions:
Exostoses, multiple, type 1 (EXT1). Also called: Hereditary Multiple Osteochondromatosis, Type I; EXOSTOSES, MULTIPLE, TYPE I. Identifiers: MedGen CN263289, MONDO:0007585, OMIM 133700.
Exostoses, multiple, type 2 (EXT2). Also called: Hereditary Multiple Osteochondromatosis, Type II; EXOSTOSES, MULTIPLE, TYPE II. Identifiers: Orphanet 321, MedGen C1851413, MONDO:0007586, OMIM 133701.
EXT2-related disorder. Also called: EXT2-related condition.

Allele frequency attached by ClinVar (database versions not stated): 1000 Genomes Project 30x 0.00031; TOPMed 0.00036; 1000 Genomes Project 0.00040; ExAC 0.00041; gnomAD exomes 0.00043 and 0.00090; gnomAD 0.00045 and 0.00046; ESP Exome Variant Server 0.00069.
gnomAD v4.1: 1,356 of 1,613,954 alleles (0.084%); highest among the groups gnomAD compares: Non-Finnish European, 0.11%; 3 homozygotes.

Submissions (8):

St. Jude Molecular Pathology, St. Jude Children's Research Hospital
Classification: Uncertain significance for Exostoses, multiple, type 2. Last evaluated: 2026-02-20. Review status: criteria provided, single submitter. Criteria: St. Jude Assertion Criteria 2020. Collection method: clinical testing. Allele origin: germline.
Comment: The EXT2 c.1186G>A p.(Val396Met) missense change has a maximum subpopulation frequency of 0.073% in gnomAD v2.1.1. The in silico tool REVEL predicts a deleterious effect on protein function, but to our knowledge this predi ction has not been confirmed by functional studies. To our knowledge, this variant has not been reported in individuals with hereditary multiple exostoses. In summary, the evidence currently available is insufficient to determine the clinical significanc e of this variant. It has therefore been classified as of uncertain significance.

Labcorp Genetics (formerly Invitae), Labcorp
Classification: Likely benign for Exostoses, multiple, type 2. Last evaluated: 2025-11-10. Review status: criteria provided, single submitter. Criteria: Invitae Variant Classification Sherloc (09022015). Collection method: clinical testing. Allele origin: germline.

KCCC/NGS Laboratory, Kuwait Cancer Control Center
Classification: Benign for Exostoses, multiple, type 2. Last evaluated: 2025-02-01. Review status: criteria provided, single submitter. Criteria: ACMG Guidelines, 2015. Collection method: clinical testing. Allele origin: germline. Affected: no.

PreventionGenetics, part of Exact Sciences
Classification: Likely benign for EXT2-related condition. Last evaluated: 2024-11-30. Review status: criteria provided, single submitter. Criteria: ACMG Guidelines, 2015. Collection method: clinical testing. Allele origin: germline.
Comment: This variant is classified as likely benign based on ACMG/AMP sequence variant interpretation guidelines (Richards et al. 2015 PMID: 25741868, with internal and published modifications).

Blueprint Genetics
Classification: Likely benign. Last evaluated: 2024-10-07. Review status: criteria provided, single submitter. Criteria: ACMG Guidelines, 2015. Collection method: clinical testing. Allele origin: germline.

KCCC/NGS Laboratory, Kuwait Cancer Control Center
Classification: Likely benign for Exostoses, multiple, type 1. Last evaluated: 2023-07-07. Review status: criteria provided, single submitter. Criteria: ACMG Guidelines, 2015. Collection method: clinical testing. Allele origin: germline. Affected: yes.

Illumina Laboratory Services, Illumina
Classification: Likely benign for Exostoses, multiple, type 2. Last evaluated: 2017-04-27. Review status: criteria provided, single submitter. Criteria: ICSL Variant Classification Criteria 13 December 2019. Collection method: clinical testing. Allele origin: germline.
Comment: This variant was observed as part of a predisposition screen in an ostensibly healthy population. A literature search was performed for the gene, cDNA change, and amino acid change (where applicable). No publications were found based on this search. Allele frequency data from public databases allowed determination this variant is unlikely to cause disease. Therefore, this variant is classified as likely benign.

Breakthrough Genomics
Classification: Likely benign. Review status: criteria provided, single submitter. Criteria: ACMG Guidelines, 2015. Collection method: not provided. Allele origin: germline. Inheritance: Autosomal recessive inheritance. Affected: yes.

NM_207122.2(EXT2):c.1087G>A (p.Val363Met)

Gene: EXT2 (exostosin glycosyltransferase 2; plus strand). Cytogenetic location: 11p11.2.
Variant type: single nucleotide variant.
Coding change: c.1087G>A on transcript NM_207122.2 (MANE Select); coding-DNA position 1087, G replaced by A.
Protein change: p.Val363Met; replaces valine 363 with methionine.
Molecular consequence: missense variant.
Genome position (GRCh38, 1-based): chr11:44,130,052, G>A. VCF-style: chr11-44130052-G-A. GRCh37 (hg19) VCF-style: chr11-44151602-G-A.
Other names: c.1186G>A, p.Val396Met (NM_000401.3); c.1087G>A, p.Val363Met (NM_001178083.3, NM_001389628.1, NM_001389630.1); short protein forms V363M, V396M.
Identifiers: ClinVar variation 304586 (VCV000304586.25), dbSNP rs138943091, ClinGen allele CA5955112.